The following is an entry in ClinVar:

NM_000487.6(ARSA):c.17C>T (p.Pro6Leu)

Gene: ARSA (arylsulfatase A; minus strand). Cytogenetic location: 22q13.33.
Variant type: single nucleotide variant.
Coding change: c.17C>T on transcript NM_000487.6 (MANE Select); coding-DNA position 17, C replaced by T.
Protein change: p.Pro6Leu; replaces proline 6 with leucine.
Molecular consequence: missense variant. On other transcripts: intron variant (2).
Genome position (GRCh38, 1-based): chr22:50,627,763, G>A on the plus strand (C>T on the coding strand, the complement: ARSA is on the minus strand). VCF-style: chr22-50627763-G-A. GRCh37 (hg19) VCF-style: chr22-51066191-G-A.
Other names: c.17C>T, p.Pro6Leu (NM_001085425.3, NM_001085426.3, NM_001085427.3); c.-35+228C>T (NM_001362782.2); c.-35+183C>T (NM_001085428.3); short protein forms P6L.
Identifiers: ClinVar variation 1953415 (VCV001953415.5), dbSNP rs2518337632, ClinGen allele CA412183824.

ClinVar aggregate classification (germline): Uncertain significance (1 of 4 stars; one submission).

Conditions:
Metachromatic leukodystrophy (MLD). Also called: ARSA DEFICIENCY; CEREBROSIDE SULFATASE DEFICIENCY; METACHROMATIC LEUKOENCEPHALOPATHY; SULFATIDE LIPIDOSIS; Cerebral sclerosis diffuse metachromatic form; Arylsulfatase A Deficiency. Identifiers: Orphanet 512, MedGen C0023522, MONDO:0018868, OMIM 250100.

Submission:

Labcorp Genetics (formerly Invitae), Labcorp
Classification: Uncertain significance for Metachromatic leukodystrophy. Last evaluated: 2022-03-04. Review status: criteria provided, single submitter. Criteria: Invitae Variant Classification Sherloc (09022015). Collection method: clinical testing. Allele origin: germline.
Comment: This variant is not present in population databases (gnomAD no frequency). This variant has not been reported in the literature in individuals affected with ARSA-related conditions. Algorithms developed to predict the effect of missense changes on protein structure and function output the following: SIFT: "Tolerated"; PolyPhen-2: "Benign"; Align-GVGD: "Class C0". The leucine amino acid residue is found in multiple mammalian species, which suggests that this missense change does not adversely affect protein function. In summary, the available evidence is currently insufficient to determine the role of this variant in disease. Therefore, it has been classified as a Variant of Uncertain Significance. This sequence change replaces proline, which is neutral and non-polar, with leucine, which is neutral and non-polar, at codon 6 of the ARSA protein (p.Pro6Leu).